The following is an entry in ClinVar:

NM_000051.4(ATM):c.7004C>T (p.Thr2335Ile)

Genes: ATM (ATM serine/threonine kinase; plus strand), C11orf65 (chromosome 11 open reading frame 65; minus strand). Cytogenetic location: 11q22.3.
Variant type: single nucleotide variant.
Coding change: c.7004C>T on transcript NM_000051.4 (MANE Select); coding-DNA position 7004, C replaced by T.
Protein change: p.Thr2335Ile; replaces threonine 2335 with isoleucine.
Molecular consequence: missense variant. On other transcripts: intron variant (2).
Genome position (GRCh38, 1-based): chr11:108,327,673, C>T. VCF-style: chr11-108327673-C-T. GRCh37 (hg19) VCF-style: chr11-108198400-C-T.
Other names: c.7004C>T, p.Thr2335Ile (NM_001351834.2); c.641-18602G>A (NM_001330368.2); c.*38+7547G>A (NM_001351110.2); c.7004C>T (NM_000051.2); short protein forms T2335I.
Identifiers: ClinVar variation 186867 (VCV000186867.48), dbSNP rs3092831, ClinGen allele CA196086.
Genomic context (GRCh38, chr11:108,327,673, plus strand): 5'-TTATATTTTAAGATTTTGCCTTTCTTATACAGAACAATCCCAGCCTAAAACTTACATACA[C>T]AGAATGTCTGAGGGTTTGTGGCAACTGGTTAGCAGAAACGTGCTTAGAAAATCCTGCGGT-3'
Protein context (NP_000042.3, residues 2325-2345): ANNPSLKLTY[Thr2335Ile]ECLRVCGNWL

ClinVar aggregate classification (germline): Conflicting classifications of pathogenicity. Review status: criteria provided, conflicting classifications (1 of 4 stars). 17 submissions from 17 submitters: Uncertain significance (7); Benign (1); Likely benign (7). 2 of the submissions do not count toward it. Last evaluated 2026-01-18.

Conditions:
ATM-related disorder. Also called: ATM-related disorders; ATM-related condition.
Ataxia-telangiectasia syndrome (AT). Also called: ATAXIA-TELANGIECTASIA, COMPLEMENTATION GROUP A; ATAXIA-TELANGIECTASIA, FRESNO VARIANT; Ataxia-telangiectasia; Ataxia-telangiectasia, complementation group E; Cerebello-oculocutaneous telangiectasia; Immunodeficiency with ataxia telangiectasia. Identifiers: Orphanet 100, MedGen C0004135, MONDO:0008840, OMIM 208900.
Hereditary cancer-predisposing syndrome. Also called: Hereditary Cancer Syndrome; Tumor predisposition; Neoplastic Syndromes, Hereditary; Hereditary neoplastic syndrome. Identifiers: Orphanet 140162, MedGen C0027672, MeSH D009386, MONDO:0015356.
Familial cancer of breast. Also called: hereditary breast carcinoma; BREAST CANCER, FAMILIAL; Hereditary breast cancer. Identifiers: Orphanet 227535, MedGen C0346153, MONDO:0016419, OMIM 114480. Disease mechanism: loss of function.

Allele frequency attached by ClinVar (database versions not stated): gnomAD 0.00028 and 0.00029; ESP Exome Variant Server 0.00023; 1000 Genomes Project 30x 0.00094; TOPMed 0.00021; 1000 Genomes Project 0.00060; gnomAD exomes 0.00002 and 0.00005; ExAC 0.00008.
gnomAD v4.1: 74 of 1,613,966 alleles (0.0046%); highest among the groups gnomAD compares: African/African-American, 0.095%; no homozygotes.

Submissions (17):

Labcorp Genetics (formerly Invitae), Labcorp
Classification: Likely benign for Ataxia-telangiectasia syndrome. Last evaluated: 2026-01-18. Review status: criteria provided, single submitter. Criteria: Invitae Variant Classification Sherloc (09022015). Collection method: clinical testing. Allele origin: germline.

PreventionGenetics, part of Exact Sciences
Classification: Likely benign for ATM-related condition. Last evaluated: 2025-10-27. Review status: criteria provided, single submitter. Criteria: ACMG Guidelines, 2015. Collection method: clinical testing. Allele origin: germline.
Comment: This variant is classified as likely benign based on ACMG/AMP sequence variant interpretation guidelines (Richards et al. 2015 PMID: 25741868, with internal and published modifications).

Institute for Biomarker Research, Medical Diagnostic Laboratories, L.L.C.
Classification: Benign for Hereditary cancer-predisposing syndrome. Last evaluated: 2025-04-24. Review status: criteria provided, single submitter. Criteria: ACMG Guidelines, 2015. Collection method: clinical testing. Allele origin: germline.
Comment: The missense variant NM_000051.4(ATM):c.7004C>T (p.Thr2335Ile) has not been reported previously as a pathogenic variant, to our knowledge. The p.Thr2335Ile variant is observed in 3/5,008 (0.0599%) alleles from individuals of 1kG All background in 1kG, which is greater than expected for the disorder. There is a moderate physicochemical difference between threonine and isoleucine.For these reasons, this variant has been classified as Benign

Women's Health and Genetics/Laboratory Corporation of America, LabCorp
Classification: Likely benign. Last evaluated: 2024-12-20. Review status: criteria provided, single submitter. Criteria: LabCorp Variant Classification Summary - May 2015. Collection method: clinical testing. Allele origin: germline.
Comment: Variant summary: ATM c.7004C>T (p.Thr2335Ile) results in a non-conservative amino acid change located in the PIK-related kinase, FAT domain (IPR003151) of the encoded protein sequence. Three of five in-silico tools predict a benign effect of the variant on protein function. The variant allele was found at a frequency of 4.6e-05 in 1613966 control chromosomes, predominantly at a frequency of 0.00095 within the African or African-American subpopulation in the gnomAD database. It was also found in several woman older than age 70 years who have never had cancer (FLOSSIES database), providing support that it is a benign polymorphism. c.7004C>T has been reported in the literature as a VUS in settings of multigene panel testing in individuals affected with breast/prostate cancer and/or therapy related myeloid neoplasms (e.g. Young_2015, Haiman_2013, Singhal_2021), while it has also been reported in a pancreatic cancer case (Yu_2021). These reports do not provide unequivocal conclusions about association of the variant with Breast Cancer/Ataxia Telangiectasia. To our knowledge, no experimental evidence demonstrating an impact on protein function has been reported. The following publications have been ascertained in the context of this evaluation (PMID: 23555315, 33850299, 26787654, 35047863). ClinVar contains an entry for this variant (Variation ID: 186867). Based on the evidence outlined above, the variant was classified as likely benign.

Athena Diagnostics
Classification: Uncertain significance. Last evaluated: 2024-11-22. Review status: criteria provided, single submitter. Criteria: Athena Diagnostics Criteria. Collection method: clinical testing. Allele origin: unknown.

Blueprint Genetics
Classification: Likely benign. Last evaluated: 2024-10-16. Review status: criteria provided, single submitter. Criteria: ACMG Guidelines, 2015. Collection method: clinical testing. Allele origin: germline.

GeneDx
Classification: Uncertain significance. Last evaluated: 2024-08-14. Review status: criteria provided, single submitter. Criteria: GeneDx Variant Classification Process June 2021. Collection method: clinical testing. Allele origin: germline. Affected: yes.
Comment: In silico analysis indicates that this missense variant does not alter protein structure/function; Observed in individuals with breast cancer, hematological malignancy, or pancreatic cancer (PMID: 33850299, 23555315, 35047863); This variant is associated with the following publications: (PMID: 26787654, 25530832, 33850299, 23555315, 35047863, 23532176)

Myriad Genetics, Inc.
Classification: Likely benign for Familial cancer of breast. Last evaluated: 2024-06-12. Review status: criteria provided, single submitter. Criteria: Myriad Autosomal Dominant, Autosomal Recessive and X-Linked Classification Criteria (2023). Collection method: clinical testing. Allele origin: unknown.
Comment: This variant is considered likely benign. This variant is strongly associated with less severe personal and family histories of cancer, typical for individuals without pathogenic variants in this gene [PMID: 25085752].

Baylor Genetics
Classification: Uncertain significance for Familial cancer of breast. Last evaluated: 2024-03-12. Review status: criteria provided, single submitter. Criteria: ACMG Guidelines, 2015. Collection method: clinical testing. Allele origin: unknown.

Quest Diagnostics Nichols Institute San Juan Capistrano
Classification: Uncertain significance. Last evaluated: 2023-03-21. Review status: criteria provided, single submitter. Criteria: Quest Diagnostics criteria. Collection method: clinical testing. Allele origin: unknown.
Comment: The frequency of this variant in the general population, 0.00072 (18/24956 chromosomes in African/African American subpopulation), is higher than would generally be expected for pathogenic variants in this gene. In the published literature, the variant has been reported in individuals with breast cancer (PMID: 26787654 (2016) and 23555315 (2013)), pancreatic cancer (PMID: 35047863 (2022)), and hematological malignancies (PMID: 33850299 (2021)). Analysis of this variant using bioinformatics tools for the prediction of the effect of amino acid changes on protein structure and function yielded predictions that this variant is benign. Based on the available information, we are unable to determine the clinical significance of this variant.

Department of Pathology and Laboratory Medicine, Sinai Health System
Classification: Uncertain significance for Familial cancer of breast. Last evaluated: 2022-07-20. Review status: criteria provided, single submitter. Criteria: ACMG Guidelines, 2015. Collection method: clinical testing. Allele origin: germline. Affected: yes.

Sema4
Classification: Uncertain significance for Hereditary cancer-predisposing syndrome. Last evaluated: 2021-09-12. Review status: criteria provided, single submitter. Criteria: Sema4 Curation Guidelines. Collection method: curation. Allele origin: germline.
Comment: The ATM c.7004C>T (p.T2335I) variant has been reported in individuals with breast cancer and therapy related myeloid neoplasm, undergoing hereditary cancer testing (PMID: 26787654, 33850299, 23555315). This variant was observed in 18/24956 chromosomes in the African/African American population according to the Genome Aggregation Database (PMID: 32461654). This variant has been reported in ClinVar (Variation ID 186867). Functional studies have not been performed, and in silico predictions of the variant's effect on protein function are inconclusive. The overall evidence is insufficient to meet ACMG/AMP criteria for classifying it as benign or pathogenic. In summary, the clinical significance of this variant is currently uncertain.

Ambry Genetics
Classification: Likely benign for Hereditary cancer-predisposing syndrome. Last evaluated: 2020-06-30. Review status: criteria provided, single submitter. Criteria: Ambry Variant Classification Scheme 2023. Collection method: clinical testing. Allele origin: germline.

Color Diagnostics, LLC DBA Color Health
Classification: Likely benign for Hereditary cancer-predisposing syndrome. Last evaluated: 2020-03-17. Review status: criteria provided, single submitter. Criteria: ACMG Guidelines, 2015. Collection method: clinical testing. Allele origin: germline.

Genetic Services Laboratory, University of Chicago
Classification: Uncertain significance. Last evaluated: 2019-11-07. Review status: criteria provided, single submitter. Criteria: ACMG Guidelines, 2015. Collection method: clinical testing. Allele origin: germline. Affected: no.

Natera, Inc.
Classification: Uncertain significance for Ataxia-telangiectasia. Last evaluated: 2020-09-16. Review status: no assertion criteria provided. Collection method: clinical testing. Allele origin: germline. Not counted in ClinVar's aggregate classification.

Counsyl
Classification: Uncertain significance for Ataxia-telangiectasia syndrome. Last evaluated: 2017-04-05. Review status: no assertion criteria provided. Collection method: clinical testing. Allele origin: unknown. Not counted in ClinVar's aggregate classification.

Literature cited by the submitters: PubMed 23555315 (cited by 5 submitters); PubMed 26787654 (cited by 5 submitters); PubMed 33850299 (cited by 5 submitters); PubMed 35047863 (cited by 3 submitters); PubMed 25085752 (cited by Myriad Genetics, Inc.).